The following is an entry in ClinVar:

ClinVar aggregate classification (germline): Uncertain significance. Review status: criteria provided, multiple submitters, no conflicts (2 of 4 stars). 2 submissions from 2 submitters: Uncertain significance (2). Last evaluated 2023-08-04.

Submissions (2):

Labcorp Genetics (formerly Invitae), Labcorp
Classification: Uncertain significance. Last evaluated: 2023-08-04. Review status: criteria provided, single submitter. Criteria: Invitae Variant Classification Sherloc (09022015). Collection method: clinical testing. Allele origin: germline.
Comment: This sequence change replaces tryptophan, which is neutral and slightly polar, with arginine, which is basic and polar, at codon 111 of the TMC1 protein (p.Trp111Arg). This variant is not present in population databases (gnomAD no frequency). This missense change has been observed in individual(s) with deafness (Invitae). Advanced modeling of protein sequence and biophysical properties (such as structural, functional, and spatial information, amino acid conservation, physicochemical variation, residue mobility, and thermodynamic stability) has been performed at Invitae for this missense variant, however the output from this modeling did not meet the statistical confidence thresholds required to predict the impact of this variant on TMC1 protein function. In summary, the available evidence is currently insufficient to determine the role of this variant in disease. Therefore, it has been classified as a Variant of Uncertain Significance.

Blueprint Genetics
Classification: Uncertain significance. Last evaluated: 2020-12-18. Review status: criteria provided, single submitter. Criteria: ACMG Guidelines, 2015. Collection method: clinical testing. Allele origin: germline.

NM_138691.3(TMC1):c.331T>C (p.Trp111Arg)

Gene: TMC1 (transmembrane channel like 1; plus strand). Cytogenetic location: 9q21.13.
Variant type: single nucleotide variant.
Coding change: c.331T>C on transcript NM_138691.3 (MANE Select); coding-DNA position 331, T replaced by C.
Protein change: p.Trp111Arg; replaces tryptophan 111 with arginine.
Molecular consequence: missense variant.
Genome position (GRCh38, 1-based): chr9:72,700,612, T>C. VCF-style: chr9-72700612-T-C. GRCh37 (hg19) VCF-style: chr9-75315528-T-C.
Other names: short protein forms W111R.
Identifiers: ClinVar variation 2862014 (VCV002862014.4), dbSNP rs2489719334, ClinGen allele CA373724605.